The following is an entry in ClinVar:

NM_032803.6(SLC7A3):c.1791A>G (p.Gln597=)

Gene: SLC7A3 (solute carrier family 7 member 3; minus strand). Cytogenetic location: Xq13.1.
Variant type: single nucleotide variant.
Coding change: c.1791A>G on transcript NM_032803.6 (MANE Select); coding-DNA position 1791, A replaced by G.
Protein change: p.Gln597=; no amino-acid change (glutamine 597 retained).
Molecular consequence: synonymous variant.
Genome position (GRCh38, 1-based): chrX:70,925,882, T>C on the plus strand (A>G on the coding strand, the complement: SLC7A3 is on the minus strand). VCF-style: chrX-70925882-T-C. GRCh37 (hg19) VCF-style: chrX-70145732-T-C.
Other names: c.1791A>G, p.Gln597= (NM_001048164.3).
Identifiers: ClinVar variation 2660833 (VCV002660833.24), dbSNP rs944846341, ClinGen allele CA331025374.

ClinVar aggregate classification (germline): Likely benign (1 of 4 stars; one submission).

Allele frequency attached by ClinVar (database versions not stated): gnomAD exomes 0.00001; gnomAD 0.00002; TOPMed 0.00002.
gnomAD v4.1: 12 of 1,208,711 alleles (0.00099%); highest among the groups gnomAD compares: Non-Finnish European, 0.0013%; no homozygotes.

Submission:

CeGaT Center for Human Genetics Tuebingen
Classification: Likely benign. Last evaluated: 2023-03-01. Review status: criteria provided, single submitter. Criteria: CeGaT Center For Human Genetics Tuebingen Variant Classification Criteria Version 2. Collection method: clinical testing. Allele origin: germline. Affected: yes. Observed: 1 variant allele.
Comment: SLC7A3: BP4, BP7